The following is an entry in ClinVar:

ClinVar aggregate classification (germline): Uncertain significance (1 of 4 stars; one submission).

gnomAD v4.1: 1 of 1,211,299 alleles (0.000083%); highest among the groups gnomAD compares: East Asian, 0.003%; no homozygotes.

Submission:

GeneDx
Classification: Uncertain significance. Last evaluated: 2025-01-16. Review status: criteria provided, single submitter. Criteria: GeneDx Variant Classification Process June 2021. Collection method: clinical testing. Allele origin: germline. Affected: yes.
Comment: Not observed at significant frequency in large population cohorts (gnomAD); In silico analysis indicates that this missense variant does not alter protein structure/function; Has not been previously published as pathogenic or benign to our knowledge

NM_004187.5(KDM5C):c.4078C>T (p.Pro1360Ser)

Gene: KDM5C (lysine demethylase 5C; minus strand). Cytogenetic location: Xp11.22.
Variant type: single nucleotide variant.
Coding change: c.4078C>T on transcript NM_004187.5 (MANE Select); coding-DNA position 4078, C replaced by T.
Protein change: p.Pro1360Ser; replaces proline 1360 with serine.
Molecular consequence: missense variant. On other transcripts: non-coding transcript variant (3).
Genome position (GRCh38, 1-based): chrX:53,193,812, G>A on the plus strand (C>T on the coding strand, the complement: KDM5C is on the minus strand). VCF-style: chrX-53193812-G-A. GRCh37 (hg19) VCF-style: chrX-53222994-G-A.
Other names: c.3877C>T, p.Pro1293Ser (NM_001146702.2); c.4075C>T, p.Pro1359Ser (NM_001282622.3, NM_001353979.2, NM_001353982.2); c.4078C>T, p.Pro1360Ser (NM_001353978.3, NM_001353981.2, NM_001353984.2); short protein forms P1293S, P1359S, P1360S.
Identifiers: ClinVar variation 4070712 (VCV004070712.1).